The following is an entry in ClinVar:

NM_017763.6(RNF43):c.1681C>A (p.Arg561=)

Gene: RNF43 (ring finger protein 43; minus strand). Cytogenetic location: 17q22.
Variant type: single nucleotide variant.
Coding change: c.1681C>A on transcript NM_017763.6 (MANE Select); coding-DNA position 1681, C replaced by A.
Protein change: p.Arg561=; no amino-acid change (arginine 561 retained).
Molecular consequence: synonymous variant.
Genome position (GRCh38, 1-based): chr17:58,358,095, G>T on the plus strand (C>A on the coding strand, the complement: RNF43 is on the minus strand). VCF-style: chr17-58358095-G-T. GRCh37 (hg19) VCF-style: chr17-56435456-G-T.
Other names: c.1681C>A, p.Arg561= (NM_001305544.3); c.1300C>A, p.Arg434= (NM_001305545.2).
Identifiers: ClinVar variation 3359399 (VCV003359399.2).

ClinVar aggregate classification (germline): Conflicting classifications of pathogenicity. Review status: criteria provided, conflicting classifications (1 of 4 stars). 2 submissions from 2 submitters: Uncertain significance (1); Likely benign (1). Last evaluated 2024-11-25.

Submissions (2):

Ambry Genetics
Classification: Likely benign. Last evaluated: 2024-11-25. Review status: criteria provided, single submitter. Criteria: Ambry Variant Classification Scheme 2023. Collection method: clinical testing. Allele origin: germline.

GeneDx
Classification: Uncertain significance. Last evaluated: 2023-05-30. Review status: criteria provided, single submitter. Criteria: GeneDx Variant Classification Process June 2021. Collection method: clinical testing. Allele origin: germline. Affected: yes.
Comment: Not observed at significant frequency in large population cohorts (gnomAD); In silico analysis supports that this variant does not alter splicing; Has not been previously published as pathogenic or benign to our knowledge; Variants in candidate genes are classified as variants of uncertain significance in accordance with ACMG guidelines (Richards et al., 2015)